The following is an entry in ClinVar:

NM_152443.3(RDH12):c.68+1G>A

Genes: RDH12 (retinol dehydrogenase 12; plus strand), GPHN (gephyrin; plus strand). Cytogenetic location: 14q24.1.
Variant type: single nucleotide variant.
Coding change: c.68+1G>A on transcript NM_152443.3 (MANE Select); the canonical splice donor site of the intron after coding-DNA position 68, G replaced by A.
Molecular consequence: splice donor variant.
Genome position (GRCh38, 1-based): chr14:67,722,711, G>A. VCF-style: chr14-67722711-G-A. GRCh37 (hg19) VCF-style: chr14-68189428-G-A.
Other names: c.68+1G>A (NM_152443.2).
Identifiers: ClinVar variation 1419341 (VCV001419341.8), dbSNP rs2140138146, ClinGen allele CA390146502.

ClinVar aggregate classification (germline): Pathogenic. Review status: criteria provided, multiple submitters, no conflicts (2 of 4 stars). 3 submissions from 3 submitters: Pathogenic (3). Last evaluated 2024-03-08.

Conditions:
Leber congenital amaurosis (LCA). Also called: Leber's amaurosis. Identifiers: Orphanet 65, MedGen C0339527, MeSH D057130, MONDO:0018998.
Leber congenital amaurosis 13 (LCA13). Identifiers: MedGen C2675186, MONDO:0012990, OMIM 612712.

Submissions (3):

Labcorp Genetics (formerly Invitae), Labcorp
Classification: Pathogenic for Leber congenital amaurosis 13. Last evaluated: 2024-03-08. Review status: criteria provided, single submitter. Criteria: Invitae Variant Classification Sherloc (09022015). Collection method: clinical testing. Allele origin: germline.
Comment: This sequence change affects a donor splice site in intron 3 of the RDH12 gene. It is expected to disrupt RNA splicing. Variants that disrupt the donor or acceptor splice site typically lead to a loss of protein function (PMID: 16199547), and loss-of-function variants in RDH12 are known to be pathogenic (PMID: 17964524, 22065924, 32014858, 34001834). This variant is not present in population databases (gnomAD no frequency). Disruption of this splice site has been observed in individual(s) with autosomal recessive Leber congenital amaurosis (PMID: 27422788, 31630094). In at least one individual the data is consistent with being in trans (on the opposite chromosome) from a pathogenic variant. ClinVar contains an entry for this variant (Variation ID: 1419341). Algorithms developed to predict the effect of sequence changes on RNA splicing suggest that this variant may disrupt the consensus splice site. For these reasons, this variant has been classified as Pathogenic.

Baylor Genetics
Classification: Pathogenic for Leber congenital amaurosis 13. Last evaluated: 2023-08-30. Review status: criteria provided, single submitter. Criteria: ACMG Guidelines, 2015. Collection method: clinical testing. Allele origin: unknown.

Women's Health and Genetics/Laboratory Corporation of America, LabCorp
Classification: Pathogenic for Leber congenital amaurosis. Last evaluated: 2023-08-07. Review status: criteria provided, single submitter. Criteria: LabCorp Variant Classification Summary - May 2015. Collection method: clinical testing. Allele origin: germline.
Comment: Variant summary: RDH12 c.68+1G>A is located in a canonical splice-site and is predicted to affect mRNA splicing resulting in a significantly altered protein due to either exon skipping, shortening, or inclusion of intronic material. Several computational tools predict a significant impact on normal splicing: Three predict the variant abolishes a canonical 5' splicing donor site. However, these predictions have yet to be confirmed by functional studies. The variant was absent in 250516 control chromosomes (gnomAD). c.68+1G>A has been reported in the literature in individuals affected with Leber Congenital Amaurosis (Wang_2016, Xu_2020, Zhu_2021), and some were reported as compound heterozygous with other pathogenic variants. These data indicate that the variant is likely to be associated with disease. The following publications have been ascertained in the context of this evaluation (PMID: 27422788, 31630094, 33970760). One submitter has cited clinical-significance assessments for this variant to ClinVar after 2014 and has classified the variant as pathogenic. Based on the evidence outlined above, the variant was classified as pathogenic.

Literature cited by the submitters: PubMed 16199547 (cited by Labcorp Genetics (formerly Invitae), Labcorp); PubMed 17964524 (cited by Labcorp Genetics (formerly Invitae), Labcorp); PubMed 22065924 (cited by Labcorp Genetics (formerly Invitae), Labcorp); PubMed 32014858 (cited by Labcorp Genetics (formerly Invitae), Labcorp); PubMed 34001834 (cited by Labcorp Genetics (formerly Invitae), Labcorp); PubMed 27422788 (cited by Labcorp Genetics (formerly Invitae), Labcorp and Women's Health and Genetics/Laboratory Corporation of America, LabCorp); PubMed 31630094 (cited by Labcorp Genetics (formerly Invitae), Labcorp and Women's Health and Genetics/Laboratory Corporation of America, LabCorp); PubMed 33970760 (cited by Women's Health and Genetics/Laboratory Corporation of America, LabCorp).